The following is an entry in ClinVar:

NM_000548.5(TSC2):c.4473A>T (p.Lys1491Asn)

Gene: TSC2 (TSC complex subunit 2; plus strand). Cytogenetic location: 16p13.3.
Variant type: single nucleotide variant.
Coding change: c.4473A>T on transcript NM_000548.5 (MANE Select); coding-DNA position 4473, A replaced by T.
Protein change: p.Lys1491Asn; replaces lysine 1491 with asparagine.
Molecular consequence: missense variant.
Genome position (GRCh38, 1-based): chr16:2,084,695, A>T. VCF-style: chr16-2084695-A-T. GRCh37 (hg19) VCF-style: chr16-2134696-A-T.
Other names: c.4272A>T, p.Lys1424Asn (NM_001077183.3); c.4404A>T, p.Lys1468Asn (NM_001114382.3); c.4164A>T, p.Lys1388Asn (NM_001318827.2); c.4128A>T, p.Lys1376Asn (NM_001318829.2); c.3741A>T, p.Lys1247Asn (NM_001318831.2); c.4305A>T, p.Lys1435Asn (NM_001318832.2); c.4275A>T, p.Lys1425Asn (NM_001363528.2); c.4341A>T, p.Lys1447Asn (NM_001370404.1); and 1 more; short protein forms K1424N, K1448N, K1247N, K1376N, K1425N, K1447N, K1491N, K1388N.
Identifiers: ClinVar variation 1409218 (VCV001409218.6), dbSNP rs1266546987, ClinGen allele CA394302530.
Genomic context (GRCh38, chr16:2,084,695, plus strand): 5'-GGGCAAGAGAGTAGAGAGGGACGCCTTAAAGAGCAGAGCCACAGCCTCCAATGCAGAGAA[A>T]GTGCCAGGCATCAACCCCAGGTGGGCCTCTTGCTTCCGGGCGGGGCTCCTGACACCTCTC-3'
Protein context (NP_000539.2, residues 1481-1501): KSRATASNAE[Lys1491Asn]VPGINPSFVF

ClinVar aggregate classification (germline): Uncertain significance (1 of 4 stars; one submission).

Conditions:
Tuberous sclerosis 2 (TSC2). Identifiers: Orphanet 805, MedGen C1860707, MONDO:0013199, OMIM 613254.

Submission:

Labcorp Genetics (formerly Invitae), Labcorp
Classification: Uncertain significance for Tuberous sclerosis 2. Last evaluated: 2021-10-20. Review status: criteria provided, single submitter. Criteria: Invitae Variant Classification Sherloc (09022015). Collection method: clinical testing. Allele origin: germline.
Comment: In summary, the available evidence is currently insufficient to determine the role of this variant in disease. Therefore, it has been classified as a Variant of Uncertain Significance. Advanced modeling of protein sequence and biophysical properties (such as structural, functional, and spatial information, amino acid conservation, physicochemical variation, residue mobility, and thermodynamic stability) performed at Invitae indicates that this missense variant is not expected to disrupt TSC2 protein function. This variant has not been reported in the literature in individuals affected with TSC2-related conditions. This variant is not present in population databases (ExAC no frequency). This sequence change replaces lysine with asparagine at codon 1491 of the TSC2 protein (p.Lys1491Asn). The lysine residue is highly conserved and there is a moderate physicochemical difference between lysine and asparagine.